The following is an entry in ClinVar:

ClinVar aggregate classification (germline): Uncertain significance. Review status: criteria provided, multiple submitters, no conflicts (2 of 4 stars). 3 submissions from 3 submitters: Uncertain significance (3). Last evaluated 2024-03-06.

Conditions:
Inborn genetic diseases. Identifiers: MedGen C0950123, MeSH D030342.
Malignant hyperthermia, susceptibility to, 5 (MHS5). Also called: CACNA1S-Related Malignant Hyperthermia Susceptibility. Identifiers: Orphanet 423, MedGen C1866077, MONDO:0011163, OMIM 601887.

Allele frequency attached by ClinVar (database versions not stated): ExAC 0.00002.
gnomAD v4.1: 7 of 1,581,678 alleles (0.00044%); highest among the groups gnomAD compares: African/African-American, 0.0067%; no homozygotes.

Submissions (3):

Color Diagnostics, LLC DBA Color Health
Classification: Uncertain significance for Malignant hyperthermia, susceptibility to, 5. Last evaluated: 2024-03-06. Review status: criteria provided, single submitter. Criteria: ACMG Guidelines, 2015. Collection method: clinical testing. Allele origin: germline.
Comment: This missense variant replaces leucine with isoleucine at codon 807 of the CACNA1S protein. Computational prediction is inconclusive regarding the impact of this variant on protein structure and function. To our knowledge, functional studies have not been reported for this variant. This variant has not been reported in individuals affected with CACNA1S-related disorders in the literature. This variant has been identified in 3/224224 chromosomes in the general population by the Genome Aggregation Database (gnomAD). The available evidence is insufficient to determine the role of this variant in disease conclusively. Therefore, this variant is classified as a Variant of Uncertain Significance.

All of Us Research Program, National Institutes of Health
Classification: Uncertain significance for Malignant hyperthermia, susceptibility to, 5. Last evaluated: 2023-12-13. Review status: criteria provided, single submitter. Criteria: ACMG Guidelines, 2015. Collection method: clinical testing. Allele origin: germline. Inheritance: Autosomal dominant inheritance. Observed: 2 variant alleles, 2 heterozygotes.
Comment: This missense variant replaces leucine with isoleucine at codon 807 of the CACNA1S protein. Computational prediction is inconclusive regarding the impact of this variant on protein structure and function (internally defined REVEL score threshold 0.5 < inconclusive < 0.7, PMID: 27666373). To our knowledge, functional studies have not been reported for this variant. This variant has not been reported in individuals affected with CACNA1S-related disorders in the literature. This variant has been identified in 3/224224 chromosomes in the general population by the Genome Aggregation Database (gnomAD). The available evidence is insufficient to determine the role of this variant in disease conclusively. Therefore, this variant is classified as a Variant of Uncertain Significance.

This study involves interpretation of variants in research participants for the purpose of population health screening. Participant phenotype was not available at the time of variant classification. Additional details can be found in publication PMID: 35346344, PMCID: PMC8962531

Ambry Genetics
Classification: Uncertain significance for Inborn genetic diseases. Last evaluated: 2021-06-18. Review status: criteria provided, single submitter. Criteria: Ambry Variant Classification Scheme 2023. Collection method: clinical testing. Allele origin: germline.

NM_000069.3(CACNA1S):c.2419C>A (p.Leu807Ile)

Gene: CACNA1S (calcium voltage-gated channel subunit alpha1 S; minus strand). Cytogenetic location: 1q32.1.
Variant type: single nucleotide variant.
Coding change: c.2419C>A on transcript NM_000069.3 (MANE Select); coding-DNA position 2419, C replaced by A.
Protein change: p.Leu807Ile; replaces leucine 807 with isoleucine.
Molecular consequence: missense variant.
Genome position (GRCh38, 1-based): chr1:201,069,543, G>T on the plus strand (C>A on the coding strand, the complement: CACNA1S is on the minus strand). VCF-style: chr1-201069543-G-T. GRCh37 (hg19) VCF-style: chr1-201038671-G-T.
Other names: short protein forms L807I.
Identifiers: ClinVar variation 2399215 (VCV002399215.4), dbSNP rs773958053, ClinGen allele CA078990.
Genomic context (GRCh38, chr1:201,069,543, plus strand): 5'-TGGAATCAGCCCGGATGGGGTCTTCCGCAGCCAGTGCAGCGCTGCTGAGCAGGATGAAGA[G>T]CAGGATGAAGTTGGTAAACCAGGTGGCATTGACGATGCGGTGACACAGGACACGGATCCT-3'
Protein context (NP_000060.2, residues 797-817): NATWFTNFIL[Leu807Ile]FILLSSAALA